The following is an entry in ClinVar:

ClinVar aggregate classification (germline): Pathogenic (1 of 4 stars; one submission).

Conditions:
Bloom syndrome (BLM). Also called: Bloom-Torre-Machacek syndrome. Identifiers: Orphanet 125, MedGen C0005859, MONDO:0008876, OMIM 210900.

Submission:

Labcorp Genetics (formerly Invitae), Labcorp
Classification: Pathogenic for Bloom syndrome. Last evaluated: 2024-01-25. Review status: criteria provided, single submitter. Criteria: Invitae Variant Classification Sherloc (09022015). Collection method: clinical testing. Allele origin: germline.
Comment: This sequence change creates a premature translational stop signal (p.Ile986Asnfs*13) in the BLM gene. It is expected to result in an absent or disrupted protein product. Loss-of-function variants in BLM are known to be pathogenic (PMID: 17407155). This variant is not present in population databases (gnomAD no frequency). This variant has not been reported in the literature in individuals affected with BLM-related conditions. Algorithms developed to predict the effect of sequence changes on RNA splicing suggest that this variant may disrupt the consensus splice site. For these reasons, this variant has been classified as Pathogenic.

Literature cited by the submitters: PubMed 17407155.

NM_000057.4(BLM):c.2957del (p.Ile986fs)

Gene: BLM (BLM RecQ like helicase; plus strand). Cytogenetic location: 15q26.1.
Variant type: Deletion.
Coding change: c.2957del on transcript NM_000057.4 (MANE Select); coding-DNA position 2957, one base deleted (T; older notation c.2957delT).
Protein change: p.Ile986fs; shifts the reading frame from isoleucine 986.
Molecular consequence: frameshift variant.
Genome position (GRCh38, 1-based): chr15:90,790,782, T deleted. VCF-style (leftmost placement, unchanged base first): chr15-90790781-AT-A. GRCh37 (hg19) VCF-style: chr15-91334011-AT-A.
Other names: c.2957del, p.Ile986fs (NM_001287246.2, NM_001287247.2); c.1832del, p.Ile611fs (NM_001287248.2); short protein forms I986fs, I611fs.
Identifiers: ClinVar variation 2710225 (VCV002710225.3), dbSNP rs2505516720, ClinGen allele CA2697549387.